The following is an entry in ClinVar:

NM_033118.4(MYLK2):c.157G>A (p.Asp53Asn)

Gene: MYLK2 (myosin light chain kinase 2; plus strand). Cytogenetic location: 20q11.21.
Variant type: single nucleotide variant.
Coding change: c.157G>A on transcript NM_033118.4 (MANE Select); coding-DNA position 157, G replaced by A.
Protein change: p.Asp53Asn; replaces aspartic acid 53 with asparagine.
Molecular consequence: missense variant.
Genome position (GRCh38, 1-based): chr20:31,820,230, G>A. VCF-style: chr20-31820230-G-A. GRCh37 (hg19) VCF-style: chr20-30408033-G-A.
Other names: short protein forms D53N.
Identifiers: ClinVar variation 473043 (VCV000473043.15), dbSNP rs200204126, ClinGen allele CA9802851.
Genomic context (GRCh38, chr20:31,820,230, plus strand): 5'-GGGAAAGACCCTGGCCCCCCAGACCCAAAGAAAGCTCCGGATCCACCCACCCTGAAGAAA[G>A]ATGCCAAAGCCCCTGCCTCAGAGAAAGGGGATGGTACCCTGGCCCAACCCTCAACTAGCA-3'
Protein context (NP_149109.1, residues 43-63): KAPDPPTLKK[Asp53Asn]AKAPASEKGD

ClinVar aggregate classification (germline): Conflicting classifications of pathogenicity. Review status: criteria provided, conflicting classifications (1 of 4 stars). 6 submissions from 6 submitters: Uncertain significance (5); Likely benign (1). Last evaluated 2025-12-01.

Conditions:
Hypertrophic cardiomyopathy 1 (CMH1). Also called: MYH7-Related Familial Hypertrophic Cardiomyopathy; Familial hypertrophic cardiomyopathy 1. Identifiers: MedGen C3495498, MONDO:0008647, OMIM 192600.

Allele frequency attached by ClinVar (database versions not stated): gnomAD exomes 0.00002 and 0.00003; ExAC 0.00006; ESP Exome Variant Server 0.00015; TOPMed 0.00015; gnomAD 0.00016 and 0.00017; 1000 Genomes Project 30x 0.00031; 1000 Genomes Project 0.00040.
gnomAD v4.1: 72 of 1,614,052 alleles (0.0045%); highest among the groups gnomAD compares: African/African-American, 0.071%; no homozygotes.

Submissions (6):

Labcorp Genetics (formerly Invitae), Labcorp
Classification: Uncertain significance for Hypertrophic cardiomyopathy 1. Last evaluated: 2025-12-01. Review status: criteria provided, single submitter. Criteria: Invitae Variant Classification Sherloc (09022015). Collection method: clinical testing. Allele origin: germline.
Comment: This sequence change replaces aspartic acid, which is acidic and polar, with asparagine, which is neutral and polar, at codon 53 of the MYLK2 protein (p.Asp53Asn). This variant is present in population databases (rs200204126, gnomAD 0.05%). This variant has not been reported in the literature in individuals affected with MYLK2-related conditions. ClinVar contains an entry for this variant (Variation ID: 473043). Invitae Evidence Modeling of protein sequence and biophysical properties (such as structural, functional, and spatial information, amino acid conservation, physicochemical variation, residue mobility, and thermodynamic stability) indicates that this missense variant is not expected to disrupt MYLK2 protein function with a negative predictive value of 80%. In summary, the available evidence is currently insufficient to determine the role of this variant in disease. Therefore, it has been classified as a Variant of Uncertain Significance.

Fulgent Genetics
Classification: Uncertain significance for Hypertrophic cardiomyopathy 1. Last evaluated: 2024-06-20. Review status: criteria provided, single submitter. Criteria: ACMG Guidelines, 2015. Collection method: clinical testing. Allele origin: germline.

Clinical Genomics Laboratory, Washington University in St. Louis
Classification: Uncertain significance. Last evaluated: 2024-05-30. Review status: criteria provided, single submitter. Criteria: ACMG Guidelines, 2015. Collection method: clinical testing. Allele origin: germline.
Comment: A MYLK2 c.157G>A (p.Asp53Asn) variant was identified. This variant, to our knowledge has not been reported in the medical literature and is observed on 12/282,146 alleles in the general population (gnomAD v.2.1.1). This variant has been reported in the ClinVar database as a likely benign variant by one submitter and variant of uncertain significance by multiple submitters (ClinVar ID: 473043). Computational predictors suggest that the variant does not impact MYLK2 function.

Ambry Genetics
Classification: Uncertain significance. Last evaluated: 2023-11-30. Review status: criteria provided, single submitter. Criteria: Ambry Variant Classification Scheme 2023. Collection method: clinical testing. Allele origin: germline.
Comment: The p.D53N variant (also known as c.157G>A), located in coding exon 2 of the MYLK2 gene, results from a G to A substitution at nucleotide position 157. The aspartic acid at codon 53 is replaced by asparagine, an amino acid with highly similar properties. This amino acid position is conserved. In addition, this alteration is predicted to be tolerated by in silico analysis. Since supporting evidence is limited at this time, the clinical significance of this alteration remains unclear.

Women's Health and Genetics/Laboratory Corporation of America, LabCorp
Classification: Uncertain significance. Last evaluated: 2023-05-08. Review status: criteria provided, single submitter. Criteria: LabCorp Variant Classification Summary - May 2015. Collection method: clinical testing. Allele origin: germline.

GeneDx
Classification: Likely benign. Last evaluated: 2020-06-03. Review status: criteria provided, single submitter. Criteria: GeneDx Variant Classification Process June 2021. Collection method: clinical testing. Allele origin: germline. Affected: yes.